The following is an entry in ClinVar:

NM_002907.4(RECQL):c.523G>C (p.Ala175Pro)

Gene: RECQL (RecQ like helicase; minus strand). Cytogenetic location: 12p12.1.
Variant type: single nucleotide variant.
Coding change: c.523G>C on transcript NM_002907.4 (MANE Select); coding-DNA position 523, G replaced by C.
Protein change: p.Ala175Pro; replaces alanine 175 with proline.
Molecular consequence: missense variant.
Genome position (GRCh38, 1-based): chr12:21,483,553, C>G on the plus strand (G>C on the coding strand, the complement: RECQL is on the minus strand). VCF-style: chr12-21483553-C-G. GRCh37 (hg19) VCF-style: chr12-21636487-C-G.
Other names: c.523G>C, p.Ala175Pro (NM_032941.3); short protein forms A175P.
Identifiers: ClinVar variation 3222977 (VCV003222977.1), dbSNP rs2137374959, ClinGen allele CA384127965.
Genomic context (GRCh38, chr12:21,483,553, plus strand): 5'-CAATTTTCTCTGGAGTCACATAAATCAGCTTTAACTCGGAGTTTTTATTTACCATTTCAG[C>G]ATGAACCCATTTAACATGCTCCTATTAAAAGAAAAAAATAGACACAATGATAGTAAAACT-3'
Protein context (NP_002898.2, residues 165-185): SSKEHVKWVH[Ala175Pro]EMVNKNSELK

ClinVar aggregate classification (germline): Uncertain significance (1 of 4 stars; one submission).

Submission:

Ambry Genetics
Classification: Uncertain significance. Last evaluated: 2023-11-03. Review status: criteria provided, single submitter. Criteria: Ambry Variant Classification Scheme 2023. Collection method: clinical testing. Allele origin: germline.
Comment: The p.A175P variant (also known as c.523G>C), located in coding exon 5 of the RECQL gene, results from a G to C substitution at nucleotide position 523. The alanine at codon 175 is replaced by proline, an amino acid with highly similar properties. This amino acid position is conserved. In addition, this alteration is predicted to be tolerated by in silico analysis. Since supporting evidence is limited at this time, the clinical significance of this alteration remains unclear.